The following is an entry in ClinVar:

ClinVar aggregate classification (germline): Likely benign. Review status: criteria provided, multiple submitters, no conflicts (2 of 4 stars). 2 submissions from 2 submitters: Likely benign (2). Last evaluated 2023-04-27.

Conditions:
Cardiomyopathy (CMYO). Also called: Cardiomyopathies. Identifiers: Orphanet 167848, MedGen C0878544, MONDO:0004994, HP:0001638. Inheritance: Various modes of inheritance.

Allele frequency attached by ClinVar (database versions not stated): gnomAD exomes below 0.00001.
gnomAD v4.1: 1 of 1,614,124 alleles (0.000062%); highest among the groups gnomAD compares: Non-Finnish European, 0.000085%; no homozygotes.

Submissions (2):

All of Us Research Program, National Institutes of Health
Classification: Likely benign for Cardiomyopathy. Last evaluated: 2023-04-27. Review status: criteria provided, single submitter. Criteria: ACMG Guidelines, 2015. Collection method: clinical testing. Allele origin: germline. Inheritance: Autosomal dominant inheritance. Observed: 1 variant allele, 1 heterozygote.
Comment: This study involves interpretation of variants in research participants for the purpose of population health screening. Participant phenotype was not available at the time of variant classification. Additional details can be found in publication PMID: 35346344, PMCID: PMC8962531

Color Diagnostics, LLC DBA Color Health
Classification: Likely benign for Cardiomyopathy. Last evaluated: 2022-11-06. Review status: criteria provided, single submitter. Criteria: ACMG Guidelines, 2015. Collection method: clinical testing. Allele origin: germline.

NM_001276345.2(TNNT2):c.132A>G (p.Ala44=)

Gene: TNNT2 (troponin T2, cardiac type; minus strand). Cytogenetic location: 1q32.1.
Variant type: single nucleotide variant.
Coding change: c.132A>G on transcript NM_001276345.2 (MANE Select); coding-DNA position 132, A replaced by G.
Protein change: p.Ala44=; no amino-acid change (alanine 44 retained).
Molecular consequence: synonymous variant.
Genome position (GRCh38, 1-based): chr1:201,368,193, T>C on the plus strand (A>G on the coding strand, the complement: TNNT2 is on the minus strand). VCF-style: chr1-201368193-T-C. GRCh37 (hg19) VCF-style: chr1-201337321-T-C.
Other names: c.132A>G, p.Ala44= (NM_000364.4, NM_001276346.2, NM_001406723.1); c.102A>G, p.Ala34= (NM_001001430.3, NM_001001431.3, NM_001276347.2 and 4 more transcripts); c.87A>G, p.Ala29= (NM_001001432.3, NM_001406728.1).
Identifiers: ClinVar variation 3070498 (VCV003070498.2), dbSNP rs1158228294, ClinGen allele CA422533317.
Genomic context (GRCh38, chr1:201,368,193, plus strand): 5'-GGCCCCTGCACCCTCAACCAGAGACTTACCTTCTGCCCTGGTCTCCTCGGTCTCAGCCTC[T>C]GCTTCAGCATCCTCTTCCGCTGCCTCCTCCTGCTCTGGAGAAGTGAAGCAGACAGAGTGA-3'
Protein context (NP_001263274.1, residues 34-54): QEEAAEEDAE[Ala44=]EAETEETRAE